The following is an entry in ClinVar:

ClinVar aggregate classification (germline): Conflicting classifications of pathogenicity. Review status: criteria provided, conflicting classifications (1 of 4 stars). 5 submissions from 5 submitters: Uncertain significance (3); Likely benign (1). 1 of the submissions does not count toward it. Last evaluated 2026-07-14.

Conditions:
USH2A-related disorder. Also called: USH2A-related disorders; USH2A-related condition. Identifiers: MedGen CN239332.
Usher syndrome type 2A. Also called: RETINAL DISEASE IN USHER SYNDROME TYPE IIA, MODIFIER OF; USHER SYNDROME, TYPE IIA. Identifiers: Orphanet 231178, Orphanet 886, MedGen C1848634, MONDO:0010169, OMIM 276901.

Allele frequency attached by ClinVar (database versions not stated): gnomAD exomes 0.00004 and 0.00008; ExAC 0.00008; TOPMed 0.00032; ESP Exome Variant Server 0.00038; gnomAD 0.00044 and 0.00045; 1000 Genomes Project 30x 0.00062; 1000 Genomes Project 0.00080.
gnomAD v4.1: 125 of 1,614,182 alleles (0.0077%); highest among the groups gnomAD compares: African/African-American, 0.14%; no homozygotes.

Submissions (5):

PreventionGenetics, part of Exact Sciences
Classification: Uncertain significance for USH2A-related condition. Last evaluated: 2026-07-14. Review status: criteria provided, single submitter. Criteria: ACMG Guidelines, 2015. Collection method: clinical testing. Allele origin: germline.
Comment: The USH2A c.12883A>G variant is predicted to result in the amino acid substitution p.Ile4295Val. This variant was identified in a family with hearing loss; however, affected family members harbored likely causative variants in another gene (Wonkam et al. 2021. PubMed ID: 33528103). Additionally, this variant is reported in 0.10% of alleles in individuals of African descent in gnomAD, which may be too frequent to be a primary cause of disease. Although we suspect that this variant may be benign, at this time, the clinical significance of this variant is uncertain due to the absence of conclusive functional and genetic evidence.

Labcorp Genetics (formerly Invitae), Labcorp
Classification: Likely benign. Last evaluated: 2026-01-31. Review status: criteria provided, single submitter. Criteria: Invitae Variant Classification Sherloc (09022015). Collection method: clinical testing. Allele origin: germline.

Blueprint Genetics
Classification: Uncertain significance. Last evaluated: 2024-11-13. Review status: criteria provided, single submitter. Criteria: ACMG Guidelines, 2015. Collection method: clinical testing. Allele origin: germline.

Laboratory for Molecular Medicine, Mass General Brigham Personalized Medicine
Classification: Uncertain significance. Last evaluated: 2012-04-30. Review status: criteria provided, single submitter. Criteria: LMM Criteria. Collection method: clinical testing. Allele origin: germline. Observed: 2 variant alleles.
Comment: Variant classified as Uncertain Significance - Favor Benign. The Ile4295Val vari ant (USH2A) has been identified in 5/3738 (0.13%) of African American chromosome s from a broad population by the NHLBI Exome Sequencing Project (dbSNP rs137868043). Computational analyses (biochemical amin o acid properties, conservation, AlignGVGD, PolyPhen2, and SIFT) suggest that th e Ile4295Val variant may not impact the protein. Although observation in control s and computation predictions suggest that the Ile4295Val variant is more likely benign, the frequency is not high enough to rule out pathogenicity (e.g. the co ntrols may be carriers) and computational programs are not predictive enough to rule out pathogenicity. In summary, additional studies are needed to fully asses s the clinical significance of the Ile4295Val variant.

Natera, Inc.
Classification: Uncertain significance for Usher syndrome type 2A. Last evaluated: 2019-11-11. Review status: no assertion criteria provided. Collection method: clinical testing. Allele origin: germline. Not counted in ClinVar's aggregate classification.

NM_206933.4(USH2A):c.12883A>G (p.Ile4295Val)

Gene: USH2A (usherin; minus strand). Cytogenetic location: 1q41.
Variant type: single nucleotide variant.
Coding change: c.12883A>G on transcript NM_206933.4 (MANE Select); coding-DNA position 12883, A replaced by G.
Protein change: p.Ile4295Val; replaces isoleucine 4295 with valine.
Molecular consequence: missense variant.
Genome position (GRCh38, 1-based): chr1:215,675,028, T>C on the plus strand (A>G on the coding strand, the complement: USH2A is on the minus strand). VCF-style: chr1-215675028-T-C. GRCh37 (hg19) VCF-style: chr1-215848370-T-C.
Other names: short protein forms I4295V.
Identifiers: ClinVar variation 48410 (VCV000048410.18), dbSNP rs137868043, ClinGen allele CA143306.